The following is an entry in ClinVar:

NM_031935.3(HMCN1):c.2764C>T (p.Arg922Cys)

Gene: HMCN1 (hemicentin 1; plus strand). Cytogenetic location: 1q31.1.
Variant type: single nucleotide variant.
Coding change: c.2764C>T on transcript NM_031935.3 (MANE Select); coding-DNA position 2764, C replaced by T.
Protein change: p.Arg922Cys; replaces arginine 922 with cysteine.
Molecular consequence: missense variant.
Genome position (GRCh38, 1-based): chr1:185,982,363, C>T. VCF-style: chr1-185982363-C-T. GRCh37 (hg19) VCF-style: chr1-185951495-C-T.
Other names: c.2764C>T (NM_031935.2); short protein forms R922C.
Identifiers: ClinVar variation 2198799 (VCV002198799.5), dbSNP rs371598243, ClinGen allele CA1291487.

ClinVar aggregate classification (germline): Uncertain significance. Review status: criteria provided, multiple submitters, no conflicts (2 of 4 stars). 2 submissions from 2 submitters: Uncertain significance (2). Last evaluated 2024-08-14.

Allele frequency attached by ClinVar (database versions not stated): ExAC 0.00003; ESP Exome Variant Server 0.00008.
gnomAD v4.1: 19 of 1,613,098 alleles (0.0012%); highest among the groups gnomAD compares: Non-Finnish European, 0.0014%; no homozygotes.

Submissions (2):

Ambry Genetics
Classification: Uncertain significance. Last evaluated: 2024-08-14. Review status: criteria provided, single submitter. Criteria: Ambry Variant Classification Scheme 2023. Collection method: clinical testing. Allele origin: germline.

Labcorp Genetics (formerly Invitae), Labcorp
Classification: Uncertain significance. Last evaluated: 2022-11-01. Review status: criteria provided, single submitter. Criteria: Invitae Variant Classification Sherloc (09022015). Collection method: clinical testing. Allele origin: germline.
Comment: This sequence change replaces arginine, which is basic and polar, with cysteine, which is neutral and slightly polar, at codon 922 of the HMCN1 protein (p.Arg922Cys). Algorithms developed to predict the effect of missense changes on protein structure and function are either unavailable or do not agree on the potential impact of this missense change (SIFT: "Deleterious"; PolyPhen-2: "Probably Damaging"; Align-GVGD: "Class C0"). This variant has not been reported in the literature in individuals affected with HMCN1-related conditions. This variant is present in population databases (rs371598243, gnomAD 0.004%). In summary, the available evidence is currently insufficient to determine the role of this variant in disease. Therefore, it has been classified as a Variant of Uncertain Significance.